The following is an entry in ClinVar:

NM_001918.5(DBT):c.948del (p.Leu317fs)

Gene: DBT (dihydrolipoamide branched chain transacylase E2; minus strand). Cytogenetic location: 1p21.2.
Variant type: Deletion.
Coding change: c.948del on transcript NM_001918.5 (MANE Select); coding-DNA position 948, one base deleted (C; older notation c.948delC).
Protein change: p.Leu317fs; shifts the reading frame from leucine 317.
Molecular consequence: frameshift variant. On other transcripts: non-coding transcript variant (4).
Genome position (GRCh38, 1-based): chr1:100,210,763, G deleted on the plus strand (C on the coding strand, the reverse complement: DBT is on the minus strand); the first of 2 consecutive G bases (chr1:100,210,763-100,210,764); deleting either gives the same sequence. VCF-style (leftmost placement, unchanged base first): chr1-100210762-AG-A. GRCh37 (hg19) VCF-style: chr1-100676318-AG-A.
Other names: c.405del, p.Leu136fs (NM_001399969.1, NM_001399972.1); short protein forms L136fs, L317fs.
Identifiers: ClinVar variation 5012329 (VCV005012329.1).

ClinVar aggregate classification (germline): Pathogenic (1 of 4 stars; one submission).

Conditions:
Maple syrup urine disease type 2 (MSUD2). Also called: Maple syrup urine disease, type II. Identifiers: MedGen C1855371, MONDO:0023693, OMIM 620699.

Submission:

Myriad Genetics, Inc.
Classification: Pathogenic for Maple syrup urine disease type 2. Last evaluated: 2023-09-28. Review status: criteria provided, single submitter. Criteria: Myriad Autosomal Dominant, Autosomal Recessive and X-Linked Classification Criteria (2023). Collection method: clinical testing. Allele origin: unknown.
Comment: NM_001918.3(DBT):c.948delC(L317Wfs*20) is expected to be pathogenic in the context of maple syrup urine disease type II. This variant is predicted to lead to an abnormal or absent protein product due to the creation of a premature termination codon in DBT, a gene where loss-of-function variants are known to be pathogenic. Please note: this variant was assessed in the context of healthy population screening.